The following is an entry in ClinVar:

NM_000455.5(STK11):c.1108+19C>T

Genes: STK11 (serine/threonine kinase 11; plus strand), LOC130062899 (ATAC-STARR-seq lymphoblastoid active region 13597; plus strand). Cytogenetic location: 19p13.3.
Variant type: single nucleotide variant.
Coding change: c.1108+19C>T on transcript NM_000455.5 (MANE Select); 19 bases into the intron after coding-DNA position 1108, C replaced by T.
Molecular consequence: intron variant.
Genome position (GRCh38, 1-based): chr19:1,223,191, C>T. VCF-style: chr19-1223191-C-T. GRCh37 (hg19) VCF-style: chr19-1223190-C-T.
Identifiers: ClinVar variation 383954 (VCV000383954.9), dbSNP rs745809310, ClinGen allele CA045273.

ClinVar aggregate classification (germline): Likely benign. Review status: criteria provided, multiple submitters, no conflicts (2 of 4 stars). 2 submissions from 2 submitters: Likely benign (2). Last evaluated 2025-01-12.

Conditions:
Peutz-Jeghers syndrome (PJS). Also called: POLYPOSIS, HAMARTOMATOUS INTESTINAL; POLYPS-AND-SPOTS SYNDROME; Peutz-Jeghers polyposis; Periorificial lentiginosis syndrome. Identifiers: Orphanet 2869, MedGen C0031269, MeSH D010580, MONDO:0008280, OMIM 175200.

Allele frequency attached by ClinVar (database versions not stated): gnomAD exomes 0.00002 and 0.00003; ExAC 0.00007.
gnomAD v4.1: 12 of 1,601,882 alleles (0.00075%); highest among the groups gnomAD compares: Non-Finnish European, 0.00085%; no homozygotes.

Submissions (2):

Labcorp Genetics (formerly Invitae), Labcorp
Classification: Likely benign for Peutz-Jeghers syndrome. Last evaluated: 2025-01-12. Review status: criteria provided, single submitter. Criteria: Invitae Variant Classification Sherloc (09022015). Collection method: clinical testing. Allele origin: germline.

GeneDx
Classification: Likely benign. Last evaluated: 2016-02-16. Review status: criteria provided, single submitter. Criteria: GeneDx Variant Classification (06012015). Collection method: clinical testing. Allele origin: germline. Affected: yes.
Comment: This variant is considered likely benign or benign based on one or more of the following criteria: it is a conservative change, it occurs at a poorly conserved position in the protein, it is predicted to be benign by multiple in silico algorithms, and/or has population frequency not consistent with disease.